The following is an entry in ClinVar:

ClinVar aggregate classification (germline): Conflicting classifications of pathogenicity. Review status: criteria provided, conflicting classifications (1 of 4 stars). 12 submissions from 12 submitters: Uncertain significance (5); Benign (2); Likely benign (1). 4 of the submissions do not count toward it. Last evaluated 2026-09-06.

Conditions:
Kennedy disease (SMAX1). Also called: Spinal and Bulbar Muscular Atrophy; KENNEDY SPINAL AND BULBAR MUSCULAR ATROPHY; SPINAL AND BULBAR MUSCULAR ATROPHY, X-LINKED 1. Identifiers: Orphanet 481, MedGen C1839259, MONDO:0010735, OMIM 313200.
Androgen resistance syndrome (AIS). Also called: TESTICULAR FEMINIZATION SYNDROME; Androgen insensitivity, complete; Androgen insensitivity; DHTR DEFICIENCY; Androgen insensitivity syndrome due to coactivator deficiency; Androgen insensitivity syndrome. Identifiers: Orphanet 754, Orphanet 99429, MedGen C0039585, MONDO:0019154, OMIM 300068. Disease mechanism: loss of function.
Partial androgen insensitivity syndrome (PAIS). Also called: Pseudohermaphroditism, Incomplete male, type I; Reifenstein syndrome, partial; Androgen resistance syndrome, partial; Type I familial incomplete male pseudohermaphroditism; Reifenstein syndrome; Gynecomastia, familial. Identifiers: Orphanet 90797, MedGen C0268301, MONDO:0010720, OMIM 312300.
Hypospadias 1, X-linked (HYSP1). Identifiers: Orphanet 440, MedGen C2678098, MONDO:0010384, OMIM 300633.
Prostate cancer, hereditary, X-linked 3. Identifiers: MedGen C5935569, MONDO:0971170, OMIM 301120.
Male infertility. Identifiers: MedGen C0021364, MeSH D007248, MONDO:0005372, HP:0003251.
AR-related disorder. Also called: AR-related condition.

Allele frequency attached by ClinVar (database versions not stated): TOPMed 0.00100; 1000 Genomes Project 30x 0.00104; 1000 Genomes Project 0.00106; gnomAD 0.00110 and 0.00122; gnomAD exomes 0.00146; ExAC 0.00546.
gnomAD v4.1: 2,167 of 1,012,309 alleles (0.21%); highest among the groups gnomAD compares: Middle Eastern, 0.78%; 4 homozygotes.

Submissions (12):

Mendelics
Classification: Benign for Androgen resistance syndrome. Last evaluated: 2026-09-06. Review status: criteria provided, single submitter. Criteria: Mendelics Assertion Criteria 2017. Collection method: clinical testing. Allele origin: unknown.
Comment: Variant NM_000044.6(AR):c.1424C>T (p.Ala475Val) has GnomAD 4.1.1 frequency of 0.002141 with 678 hemizygotes and in silico predictors suggesting benign impact.

GeneDx
Classification: Uncertain significance. Last evaluated: 2026-07-24. Review status: criteria provided, single submitter. Criteria: GeneDx Variant Classification Process June 2021. Collection method: clinical testing. Allele origin: germline.
Comment: Observed in hemizygous state in published literature (sometimes as A474V using alternate nomenclature) associated with male infertility or mild androgen insensitivity syndrome (MAIS). (PMID: 28659371, 17054461, 17970778); Published functional studies suggest reduced activation associated with mildly affected AR function (PMID: 17970778); Missense variants in this gene are a common cause of disease and they are underrepresented in the general population; In silico analysis suggests that this missense variant does not alter protein structure/function; This variant is associated with the following publications: (PMID: 17970778, 17054461, 29723568, 39037077, 36394509, 40882352, 27899157, 23637914, 37540677, 28611373, 28659371)

CeGaT Center for Human Genetics Tuebingen
Classification: Benign. Last evaluated: 2026-06-01. Review status: criteria provided, single submitter. Criteria: CeGaT Center For Human Genetics Tuebingen Variant Classification Criteria Version 2. Collection method: clinical testing. Allele origin: germline. Affected: yes. Observed: 11 variant alleles.
Comment: AR: BS1, BS2

Labcorp Genetics (formerly Invitae), Labcorp
Classification: Uncertain significance for Kennedy disease; Androgen resistance syndrome. Last evaluated: 2024-12-24. Review status: criteria provided, single submitter. Criteria: Invitae Variant Classification Sherloc (09022015). Collection method: clinical testing. Allele origin: germline.
Comment: This sequence change replaces alanine, which is neutral and non-polar, with valine, which is neutral and non-polar, at codon 475 of the AR protein (p.Ala475Val). The frequency data for this variant in the population databases is considered unreliable, as metrics indicate poor data quality at this position in the gnomAD database. This missense change has been observed in individual(s) with clinical features of mild androgen insensitivity syndrome, including idiopathic male infertility (PMID: 23637914, 27899157, 28611373, 28659371). This variant is also known as A474V. ClinVar contains an entry for this variant (Variation ID: 804019). Invitae Evidence Modeling of protein sequence and biophysical properties (such as structural, functional, and spatial information, amino acid conservation, physicochemical variation, residue mobility, and thermodynamic stability) has been performed for this missense variant. However, the output from this modeling did not meet the statistical confidence thresholds required to predict the impact of this variant on AR protein function. Experimental studies are conflicting or provide insufficient evidence to determine the effect of this variant on AR function (PMID: 17970778). In summary, the available evidence is currently insufficient to determine the role of this variant in disease. Therefore, it has been classified as a Variant of Uncertain Significance.

Blueprint Genetics
Classification: Uncertain significance. Last evaluated: 2024-11-05. Review status: criteria provided, single submitter. Criteria: ACMG Guidelines, 2015. Collection method: clinical testing. Allele origin: germline.

Fulgent Genetics
Classification: Uncertain significance for Androgen resistance syndrome; Hypospadias 1, X-linked; Prostate cancer, hereditary, X-linked 3; Partial androgen insensitivity syndrome; Kennedy disease. Last evaluated: 2024-06-16. Review status: criteria provided, single submitter. Criteria: ACMG Guidelines, 2015. Collection method: clinical testing. Allele origin: germline.

Institute of Reproductive Genetics, University of Münster
Classification: Uncertain significance for Male infertility. Last evaluated: 2024-01-16. Review status: criteria provided, single submitter. Criteria: Uk Practice Guidelines For Variant Classification V4 01 2020. Collection method: research, in vitro. Allele origin: germline, not applicable. Observed: 3 variant alleles, 3 hemizygotes. Clinical features observed: Azoospermia (HP:0000027).

Genetic Services Laboratory, University of Chicago
Classification: Likely benign. Last evaluated: 2019-05-22. Review status: criteria provided, single submitter. Criteria: ACMG Guidelines, 2015. Collection method: clinical testing. Allele origin: germline. Affected: no.

PreventionGenetics, part of Exact Sciences
Classification: Benign for AR-related condition. Last evaluated: 2022-04-14. Review status: no assertion criteria provided. Collection method: clinical testing. Allele origin: germline. Not counted in ClinVar's aggregate classification.
Comment: This variant is classified as benign based on ACMG/AMP sequence variant interpretation guidelines (Richards et al. 2015 PMID: 25741868, with internal and published modifications).

Clinical Genetics DNA and cytogenetics Diagnostics Lab, Erasmus MC, Erasmus Medical Center
Classification: Benign. Review status: no assertion criteria provided. Collection method: clinical testing. Allele origin: germline. Affected: yes. Study: VKGL Data-share Consensus. Not counted in ClinVar's aggregate classification.

Department of Pathology and Laboratory Medicine, Sinai Health System
Classification: Likely benign. Review status: no assertion criteria provided. Collection method: clinical testing. Allele origin: unknown. Affected: yes. Study: The Canadian Open Genetics Repository (COGR). Not counted in ClinVar's aggregate classification.
Comment: The AR p.Ala475Val variant was identified in the literature in 1 of 135 (freq: 0.007) males with Klinefelter Syndrome and in 2 of 292 Caucasian boys with isolated hypospadias but was not found in 345 controls (Valente_2017_PMID:28611373; Kalfa_2013_PMID:23637914). The variant was identified in dbSNP (ID: rs200390780) and ClinVar (classified as uncertain significance by Mendelics for Androgen resistance syndrome). The variant was identified in control databases in 113 of 82039 chromosomes (41 hemizygous) at a frequency of 0.001377 increasing the likelihood this could be a low frequency benign variant (Genome Aggregation Database March 6, 2019, v2.1.1). The variant was observed in the following populations: South Asian in 39 of 8024 chromosomes (freq: 0.00486), European (non-Finnish) in 64 of 34215 chromosomes (freq: 0.001871), Other in 2 of 2249 chromosomes (freq: 0.000889), African in 3 of 7372 chromosomes (freq: 0.000407), European (Finnish) in 3 of 11410 chromosomes (freq: 0.000263), Ashkenazi Jewish in 1 of 4294 chromosomes (freq: 0.000233) and Latino in 1 of 10673 chromosomes (freq: 0.000094), but was not observed in the East Asian population. The p.Ala475 residue is not conserved in mammals and computational analyses (PolyPhen-2, SIFT, AlignGVGD, BLOSUM, MutationTaster) do not suggest a high likelihood of impact to the protein; however, this information is not predictive enough to rule out pathogenicity. The variant occurs outside of the splicing consensus sequence and 3 of 4 in silico or computational prediction software programs (SpliceSiteFinder, MaxEntScan, NNSPLICE, GeneSplicer) predict a greater than 10% difference in splicing. However, this has not been confirmed by RNA analysis and is not predictive enough to assume pathogenicity. In summary, based on the above information the clinical significance of this variant cannot be determined with certainty at this time although we would lean towards a more benign role for this variant. This variant is classified as likely benign.

Genome Diagnostics Laboratory, University Medical Center Utrecht
Classification: Benign. Review status: no assertion criteria provided. Collection method: clinical testing. Allele origin: germline. Affected: yes. Study: VKGL Data-share Consensus. Not counted in ClinVar's aggregate classification.

Literature cited by the submitters: PubMed 23637914 (cited by Labcorp Genetics (formerly Invitae), Labcorp); PubMed 27899157 (cited by Labcorp Genetics (formerly Invitae), Labcorp); PubMed 28611373 (cited by Labcorp Genetics (formerly Invitae), Labcorp); PubMed 28659371 (cited by Labcorp Genetics (formerly Invitae), Labcorp); PubMed 17970778 (cited by Labcorp Genetics (formerly Invitae), Labcorp).

NM_000044.6(AR):c.1424C>T (p.Ala475Val)

Gene: AR (androgen receptor; plus strand). Cytogenetic location: Xq12.
Variant type: single nucleotide variant.
Coding change: c.1424C>T on transcript NM_000044.6 (MANE Select); coding-DNA position 1424, C replaced by T.
Protein change: p.Ala475Val; replaces alanine 475 with valine.
Molecular consequence: missense variant. On other transcripts: 5 prime UTR variant (1).
Genome position (GRCh38, 1-based): chrX:67,546,570, C>T. VCF-style: chrX-67546570-C-T. GRCh37 (hg19) VCF-style: chrX-66766412-C-T.
Other names: c.-360C>T (NM_001011645.3); c.1424C>T, p.Ala475Val (NM_001348061.1, NM_001348063.1, NM_001348064.1); short protein forms A475V.
Identifiers: ClinVar variation 804019 (VCV000804019.43), dbSNP rs200390780, ClinGen allele CA10436439.